The following is an entry in ClinVar:

ClinVar aggregate classification (germline): Likely pathogenic (0 of 4 stars; one submission).

Conditions:
ADAMTS19-related disorder. Also called: ADAMTS19-related condition.

Submission:

PreventionGenetics, part of Exact Sciences
Classification: Likely pathogenic for ADAMTS19-related condition. Last evaluated: 2024-09-27. Review status: no assertion criteria provided. Collection method: clinical testing. Allele origin: germline.
Comment: The ADAMTS19 c.3084delG variant is predicted to result in a frameshift and premature protein termination (p.Lys1030Serfs*14). To our knowledge, this variant has not been reported in the literature or in a large population database, indicating this variant is rare. Frameshift variants in ADAMTS19 are expected to be pathogenic. This variant is interpreted as likely pathogenic.

NM_133638.6(ADAMTS19):c.3084del (p.Lys1030fs)

Gene: ADAMTS19 (ADAM metallopeptidase with thrombospondin type 1 motif 19; plus strand). Cytogenetic location: 5q23.3.
Variant type: Deletion.
Coding change: c.3084del on transcript NM_133638.6 (MANE Select); coding-DNA position 3084, one base deleted (G; older notation c.3084delG).
Protein change: p.Lys1030fs; shifts the reading frame from lysine 1030.
Molecular consequence: frameshift variant.
Genome position (GRCh38, 1-based): chr5:129,701,517, G deleted; the last of 3 consecutive G bases (chr5:129,701,515-129,701,517); deleting any one gives the same sequence. VCF-style (leftmost placement, unchanged base first): chr5-129701514-TG-T. GRCh37 (hg19) VCF-style: chr5-129037207-TG-T.
Other names: short protein forms K1030fs.
Identifiers: ClinVar variation 3354014 (VCV003354014.1).